The following is an entry in ClinVar:

ClinVar aggregate classification (germline): Uncertain significance (1 of 4 stars; one submission).

Submission:

CeGaT Center for Human Genetics Tuebingen
Classification: Uncertain significance. Last evaluated: 2023-12-01. Review status: criteria provided, single submitter. Criteria: CeGaT Center For Human Genetics Tuebingen Variant Classification Criteria Version 2. Collection method: clinical testing. Allele origin: germline. Affected: yes. Observed: 1 variant allele.
Comment: SLC12A2: PM2

NM_001046.3(SLC12A2):c.385G>T (p.Ala129Ser)

Gene: SLC12A2 (solute carrier family 12 member 2; plus strand). Cytogenetic location: 5q23.3.
Variant type: single nucleotide variant.
Coding change: c.385G>T on transcript NM_001046.3 (MANE Select); coding-DNA position 385, G replaced by T.
Protein change: p.Ala129Ser; replaces alanine 129 with serine.
Molecular consequence: missense variant. On other transcripts: non-coding transcript variant (1).
Genome position (GRCh38, 1-based): chr5:128,084,339, G>T. VCF-style: chr5-128084339-G-T. GRCh37 (hg19) VCF-style: chr5-127420031-G-T.
Other names: c.385G>T, p.Ala129Ser (NM_001256461.2); short protein forms A129S.
Identifiers: ClinVar variation 3026621 (VCV003026621.22), dbSNP rs1439361723, ClinGen allele CA360736386.